The following is an entry in ClinVar:

ClinVar aggregate classification (germline): Uncertain significance. Review status: criteria provided, multiple submitters, no conflicts (2 of 4 stars). 2 submissions from 2 submitters: Uncertain significance (2). Last evaluated 2026-01-27.

Conditions:
Hereditary cancer-predisposing syndrome. Also called: Neoplastic Syndromes, Hereditary; Tumor predisposition; Hereditary Cancer Syndrome; Hereditary neoplastic syndrome. Identifiers: Orphanet 140162, MedGen C0027672, MeSH D009386, MONDO:0015356.
Neuroblastoma, susceptibility to, 3. Also called: ALK-Related Neuroblastic Tumor Susceptibility. Identifiers: Orphanet 635, MedGen C2751681, MONDO:0013083, OMIM 613014.

Allele frequency attached by ClinVar (database versions not stated): gnomAD 0.00001; TOPMed 0.00001.
gnomAD v4.1: 1 of 1,609,562 alleles (0.000062%); highest among the groups gnomAD compares: African/African-American, 0.0013%; no homozygotes.

Submissions (2):

Labcorp Genetics (formerly Invitae), Labcorp
Classification: Uncertain significance for Neuroblastoma, susceptibility to, 3. Last evaluated: 2026-01-27. Review status: criteria provided, single submitter. Criteria: Invitae Variant Classification Sherloc (09022015). Collection method: clinical testing. Allele origin: germline.
Comment: This sequence change replaces proline, which is neutral and non-polar, with arginine, which is basic and polar, at codon 43 of the ALK protein (p.Pro43Arg). This variant is not present in population databases (gnomAD no frequency). This variant has not been reported in the literature in individuals affected with ALK-related conditions. ClinVar contains an entry for this variant (Variation ID: 566142). An algorithm developed to predict the effect of missense changes on protein structure and function (PolyPhen-2) suggests that this variant is likely to be disruptive. In summary, the available evidence is currently insufficient to determine the role of this variant in disease. Therefore, it has been classified as a Variant of Uncertain Significance.

Ambry Genetics
Classification: Uncertain significance for Hereditary cancer-predisposing syndrome. Last evaluated: 2024-04-17. Review status: criteria provided, single submitter. Criteria: Ambry Variant Classification Scheme 2023. Collection method: clinical testing. Allele origin: germline.
Comment: The p.P43R variant (also known as c.128C>G), located in coding exon 1 of the ALK gene, results from a C to G substitution at nucleotide position 128. The proline at codon 43 is replaced by arginine, an amino acid with dissimilar properties. This amino acid position is conserved. In addition, this alteration is predicted to be deleterious by in silico analysis. Based on the available evidence, the clinical significance of this variant remains unclear.

NM_004304.5(ALK):c.128C>G (p.Pro43Arg)

Gene: ALK (ALK receptor tyrosine kinase; minus strand). Cytogenetic location: 2p23.1.
Variant type: single nucleotide variant.
Coding change: c.128C>G on transcript NM_004304.5 (MANE Select); coding-DNA position 128, C replaced by G.
Protein change: p.Pro43Arg; replaces proline 43 with arginine.
Molecular consequence: missense variant.
Genome position (GRCh38, 1-based): chr2:29,920,532, G>C on the plus strand (C>G on the coding strand, the complement: ALK is on the minus strand). VCF-style: chr2-29920532-G-C. GRCh37 (hg19) VCF-style: chr2-30143398-G-C.
Other names: short protein forms P43R.
Identifiers: ClinVar variation 566142 (VCV000566142.11), dbSNP rs78378278, ClinGen allele CA346590644.
Genomic context (GRCh38, chr2:29,920,532, plus strand): 5'-AGCGAGGGCACCACGAAGTCAACTGCCAGACTCTTCCTCTGCAGGCGCGAGTAGCTGAGT[G>C]GCTCCCGGGGCTGCAGCGGCGGCCCCGCAGCTGGGGAGCCCGCGCGCTGGCCGGTCCCCA-3'
Protein context (NP_004295.2, residues 33-53): AAGPPLQPRE[Pro43Arg]LSYSRLQRKS